The following is an entry in ClinVar:

NM_006118.4(HAX1):c.314C>T (p.Pro105Leu)

Gene: HAX1 (HCLS1 associated protein X-1; plus strand). Cytogenetic location: 1q21.3.
Variant type: single nucleotide variant.
Coding change: c.314C>T on transcript NM_006118.4 (MANE Select); coding-DNA position 314, C replaced by T.
Protein change: p.Pro105Leu; replaces proline 105 with leucine.
Molecular consequence: missense variant.
Genome position (GRCh38, 1-based): chr1:154,273,596, C>T. VCF-style: chr1-154273596-C-T. GRCh37 (hg19) VCF-style: chr1-154246072-C-T.
Other names: c.170C>T, p.Pro57Leu (NM_001018837.2); short protein forms P57L, P105L.
Identifiers: ClinVar variation 3524101 (VCV003524101.1).

ClinVar aggregate classification (germline): Uncertain significance (1 of 4 stars; one submission).

Conditions:
Inborn genetic diseases. Identifiers: MedGen C0950123, MeSH D030342.

Submission:

Ambry Genetics
Classification: Uncertain significance for Inborn genetic diseases. Last evaluated: 2024-12-08. Review status: criteria provided, single submitter. Criteria: Ambry Variant Classification Scheme 2023. Collection method: clinical testing. Allele origin: germline.
Comment: The p.P105L variant (also known as c.314C>T), located in coding exon 2 of the HAX1 gene, results from a C to T substitution at nucleotide position 314. The proline at codon 105 is replaced by leucine, an amino acid with similar properties. This amino acid position is conserved. In addition, this alteration is predicted to be tolerated by in silico analysis. Based on the available evidence, the clinical significance of this variant remains unclear.